The following is an entry in ClinVar:

NM_001458.5(FLNC):c.5181C>A (p.Asn1727Lys)

Gene: FLNC (filamin C; plus strand). Cytogenetic location: 7q32.1.
Variant type: single nucleotide variant.
Coding change: c.5181C>A on transcript NM_001458.5 (MANE Select); coding-DNA position 5181, C replaced by A.
Protein change: p.Asn1727Lys; replaces asparagine 1727 with lysine.
Molecular consequence: missense variant.
Genome position (GRCh38, 1-based): chr7:128,849,560, C>A. VCF-style: chr7-128849560-C-A. GRCh37 (hg19) VCF-style: chr7-128489614-C-A.
Other names: c.5181C>A, p.Asn1727Lys (NM_001127487.2); short protein forms N1727K.
Identifiers: ClinVar variation 539442 (VCV000539442.9), dbSNP rs764500516, ClinGen allele CA4475576.
Genomic context (GRCh38, chr7:128,849,560, plus strand): 5'-AGCGCCCGAGCCGGGCAAGTACGTCATCACCATCCGCTTCGGGGGTGAGCACATCCCCAA[C>A]AGCCCCTTCCACGTGCTGGTAAGTTCTGTAGCCACAGCAAGACTAGATGGCTGGGGAGGG-3'
Protein context (NP_001449.3, residues 1717-1737): TIRFGGEHIP[Asn1727Lys]SPFHVLACDP

ClinVar aggregate classification (germline): Uncertain significance (1 of 4 stars; one submission).

Conditions:
Distal myopathy with posterior leg and anterior hand involvement. Also called: WILLIAMS DISTAL MYOPATHY. Identifiers: Orphanet 63273, MedGen C3279722, MONDO:0013550, OMIM 614065.
Myofibrillar myopathy 5. Also called: Filaminopathy (type); FILAMINOPATHY, AUTOSOMAL DOMINANT. Identifiers: Orphanet 171445, MedGen C1836050, MONDO:0012289, OMIM 609524.
Hypertrophic cardiomyopathy 26. Also called: Cardiomyopathy, familial hypertrophic, 26. Identifiers: Orphanet 75249, MedGen C4310749, MONDO:0014883, OMIM 617047.

Allele frequency attached by ClinVar (database versions not stated): gnomAD 0.00001; gnomAD exomes 0.00001; ExAC 0.00002.
gnomAD v4.1: 4 of 1,613,916 alleles (0.00025%); highest among the groups gnomAD compares: Admixed American, 0.0017%; no homozygotes.

Submission:

Labcorp Genetics (formerly Invitae), Labcorp
Classification: Uncertain significance for Distal myopathy with posterior leg and anterior hand involvement; Myofibrillar myopathy 5; Hypertrophic cardiomyopathy 26. Last evaluated: 2025-01-22. Review status: criteria provided, single submitter. Criteria: Invitae Variant Classification Sherloc (09022015). Collection method: clinical testing. Allele origin: germline.
Comment: This sequence change replaces asparagine, which is neutral and polar, with lysine, which is basic and polar, at codon 1727 of the FLNC protein (p.Asn1727Lys). This variant is present in population databases (rs764500516, gnomAD 0.002%). This variant has not been reported in the literature in individuals affected with FLNC-related conditions. ClinVar contains an entry for this variant (Variation ID: 539442). Invitae Evidence Modeling of protein sequence and biophysical properties (such as structural, functional, and spatial information, amino acid conservation, physicochemical variation, residue mobility, and thermodynamic stability) has been performed for this missense variant. However, the output from this modeling did not meet the statistical confidence thresholds required to predict the impact of this variant on FLNC protein function. In summary, the available evidence is currently insufficient to determine the role of this variant in disease. Therefore, it has been classified as a Variant of Uncertain Significance.